The following is an entry in ClinVar:

ClinVar aggregate classification (germline): Likely benign. Review status: criteria provided, multiple submitters, no conflicts (2 of 4 stars). 6 submissions from 6 submitters: Likely benign (3). 3 of the submissions do not count toward it. Last evaluated 2026-01-24.

Conditions:
C8A-related disorder. Also called: C8A-related condition.
Type I complement component 8 deficiency. Also called: C8AG DEFICIENCY; C8 ALPHA-GAMMA DEFICIENCY; COMPLEMENT C8 DEFICIENCY, TYPE I. Identifiers: MedGen C3151081, MONDO:0013422, OMIM 613790.

Allele frequency attached by ClinVar (database versions not stated): 1000 Genomes Project 30x 0.00047; 1000 Genomes Project 0.00060; gnomAD 0.00121; TOPMed 0.00121; ESP Exome Variant Server 0.00223.
gnomAD v4.1: 3,357 of 1,613,756 alleles (0.21%); highest among the groups gnomAD compares: Non-Finnish European, 0.26%; 8 homozygotes.

Submissions (6):

Labcorp Genetics (formerly Invitae), Labcorp
Classification: Likely benign. Last evaluated: 2026-01-24. Review status: criteria provided, single submitter. Criteria: Invitae Variant Classification Sherloc (09022015). Collection method: clinical testing. Allele origin: germline.

Blueprint Genetics
Classification: Likely benign. Last evaluated: 2024-11-26. Review status: criteria provided, single submitter. Criteria: ACMG Guidelines, 2015. Collection method: clinical testing. Allele origin: germline.

Fulgent Genetics
Classification: Likely benign for Type I complement component 8 deficiency. Last evaluated: 2022-04-11. Review status: criteria provided, single submitter. Criteria: ACMG Guidelines, 2015. Collection method: clinical testing. Allele origin: unknown.

PreventionGenetics, part of Exact Sciences
Classification: Likely benign for C8A-related condition. Last evaluated: 2024-01-12. Review status: no assertion criteria provided. Collection method: clinical testing. Allele origin: germline. Not counted in ClinVar's aggregate classification.
Comment: This variant is classified as likely benign based on ACMG/AMP sequence variant interpretation guidelines (Richards et al. 2015 PMID: 25741868, with internal and published modifications).

Clinical Genetics DNA and cytogenetics Diagnostics Lab, Erasmus MC, Erasmus Medical Center
Classification: Likely benign. Review status: no assertion criteria provided. Collection method: clinical testing. Allele origin: germline. Affected: yes. Study: VKGL Data-share Consensus. Not counted in ClinVar's aggregate classification.

Genome Diagnostics Laboratory, University Medical Center Utrecht
Classification: Likely benign. Review status: no assertion criteria provided. Collection method: clinical testing. Allele origin: germline. Affected: yes. Study: VKGL Data-share Consensus. Not counted in ClinVar's aggregate classification.

NM_000562.3(C8A):c.606T>C (p.Asp202=)

Gene: C8A (complement C8 alpha chain; plus strand). Cytogenetic location: 1p32.2.
Variant type: single nucleotide variant.
Coding change: c.606T>C on transcript NM_000562.3 (MANE Select); coding-DNA position 606, T replaced by C.
Protein change: p.Asp202=; no amino-acid change (aspartic acid 202 retained).
Molecular consequence: synonymous variant.
Genome position (GRCh38, 1-based): chr1:56,881,586, T>C. VCF-style: chr1-56881586-T-C. GRCh37 (hg19) VCF-style: chr1-57347259-T-C.
Identifiers: ClinVar variation 791416 (VCV000791416.14), dbSNP rs150755683, ClinGen allele CA875092.
Genomic context (GRCh38, chr1:56,881,586, plus strand): 5'-TGGGGAATGGAGGGAGCTTCGATATGACTCCACCTGTGAACGTCTCTACTATGGAGATGA[T>C]GAGAAATACTTTCGGAAACCCTACAACTTTCTGAAGTACCACTTTGAAGTAAGTCTGAAC-3'
Protein context (NP_000553.1, residues 192-212): STCERLYYGD[Asp202=]EKYFRKPYNF